The following is an entry in ClinVar:

ClinVar aggregate classification (germline): Likely benign. Review status: criteria provided, single submitter (1 of 4 stars). 2 submissions from 2 submitters: Likely benign (1). 1 of the submissions does not count toward it. Last evaluated 2020-11-15.

Conditions:
SCN3A-related disorder. Also called: SCN3A-related condition.

Allele frequency attached by ClinVar (database versions not stated): TOPMed below 0.00001.
gnomAD v4.1: 2 of 1,614,142 alleles (0.00012%); highest among the groups gnomAD compares: Non-Finnish European, 0.00017%; no homozygotes.

Submissions (2):

Labcorp Genetics (formerly Invitae), Labcorp
Classification: Likely benign. Last evaluated: 2020-11-15. Review status: criteria provided, single submitter. Criteria: Invitae Variant Classification Sherloc (09022015). Collection method: clinical testing. Allele origin: germline.

PreventionGenetics, part of Exact Sciences
Classification: Likely benign for SCN3A-related condition. Last evaluated: 2021-02-24. Review status: no assertion criteria provided. Collection method: clinical testing. Allele origin: germline. Not counted in ClinVar's aggregate classification.
Comment: This variant is classified as likely benign based on ACMG/AMP sequence variant interpretation guidelines (Richards et al. 2015 PMID: 25741868, with internal and published modifications).

NM_006922.4(SCN3A):c.2622C>A (p.Ile874=)

Gene: SCN3A (sodium voltage-gated channel alpha subunit 3; minus strand). Cytogenetic location: 2q24.3.
Variant type: single nucleotide variant.
Coding change: c.2622C>A on transcript NM_006922.4 (MANE Select); coding-DNA position 2622, C replaced by A.
Protein change: p.Ile874=; no amino-acid change (isoleucine 874 retained).
Molecular consequence: synonymous variant.
Genome position (GRCh38, 1-based): chr2:165,130,240, G>T on the plus strand (C>A on the coding strand, the complement: SCN3A is on the minus strand). VCF-style: chr2-165130240-G-T. GRCh37 (hg19) VCF-style: chr2-165986750-G-T.
Other names: c.2475C>A, p.Ile825= (NM_001081676.2, NM_001081677.2); c.2622C>A (NM_006922.3).
Identifiers: ClinVar variation 1651839 (VCV001651839.10), dbSNP rs1687231457, ClinGen allele CA429884055.